The following is an entry in ClinVar:

NM_000137.4(FAH):c.696C>T (p.Asn232=)

Gene: FAH (fumarylacetoacetate hydrolase; plus strand). Cytogenetic location: 15q25.1.
Variant type: single nucleotide variant.
Coding change: c.696C>T on transcript NM_000137.4 (MANE Select); coding-DNA position 696, C replaced by T.
Protein change: p.Asn232=; no amino-acid change (asparagine 232 retained).
Molecular consequence: synonymous variant.
Genome position (GRCh38, 1-based): chr15:80,172,238, C>T. VCF-style: chr15-80172238-C-T. GRCh37 (hg19) VCF-style: chr15-80464580-C-T.
Other names: c.696C>T, p.Asn232= (NM_001374377.1, NM_001374380.1).
Identifiers: ClinVar variation 551686 (VCV000551686.17), dbSNP rs533540262, ClinGen allele CA7691302.

ClinVar aggregate classification (germline): Pathogenic/Likely pathogenic. Review status: criteria provided, multiple submitters, no conflicts (2 of 4 stars). 6 submissions from 6 submitters: Pathogenic (2); Likely pathogenic (3). 1 of the submissions does not count toward it. Last evaluated 2026-06-02.

Conditions:
Tyrosinemia type I (TYRSN1). Also called: Tyrosinemia type 1; Fumarylacetoacetase deficiency; Deficiency of fumarylacetoacetase; FAH DEFICIENCY; HEPATORENAL TYROSINEMIA. Identifiers: Orphanet 882, MedGen C0268490, MONDO:0010161, OMIM 276700. Disease mechanism: loss of function.

Allele frequency attached by ClinVar (database versions not stated): gnomAD exomes 0.00001; gnomAD 0.00002; TOPMed 0.00002.
gnomAD v4.1: 24 of 1,610,222 alleles (0.0015%); highest among the groups gnomAD compares: East Asian, 0.0045%; no homozygotes.

Submissions (6):

Women's Health and Genetics/Laboratory Corporation of America, LabCorp
Classification: Likely pathogenic for Tyrosinemia type I. Last evaluated: 2026-06-02. Review status: criteria provided, single submitter. Criteria: LabCorp Variant Classification Summary - May 2015. Collection method: clinical testing. Allele origin: germline.
Comment: Variant summary: FAH c.696C>T alters a conserved nucleotide resulting in a synonymous change. Consensus agreement among computation tools predict no significant impact on normal splicing. However, at least one publication reports experimental evidence that this variant affects mRNA splicing, resulting in skipping of exon 8 (Ploos van Amstel_1996). The variant allele was found at a frequency of 1.6e-05 in 251450 control chromosomes (gnomAD). c.696C>T has been observed in individuals affected with Tyrosinemia Type 1 (e.g. Ploos van Amstel_1996, Dijkstra_2023, Labcorp (formerly Invitae)). The following publications have been ascertained in the context of this evaluation (PMID: 8557261, 38132825). ClinVar contains an entry for this variant (Variation ID: 551686). Based on the evidence outlined above, the variant was classified as likely pathogenic.

Natera, Inc.
Classification: Likely pathogenic for Tyrosinemia type I. Last evaluated: 2025-09-03. Review status: criteria provided, single submitter. Criteria: Natera Variant Classification Schema (03/2026). Collection method: clinical testing. Allele origin: germline.
Comment: The c.696C>T variant in FAH is a synonymous variant that does not alter the encoded amino acid at position 232 (p.N232=). This variant is rare in the general population with a frequency below the threshold expected for the associated phenotype(s). This variant has been observed in one or more individuals affected with the associated recessive disease, as either homozygous or compound heterozygous with a second variant (PMID: 8557261, 38132825). This variant has been identified in one or more affected individuals with a phenotype highly consistent with the associated gene (PMID: 8557261, 38132825). Functional studies show that this variant may disrupt protein function (PMID: 8557261). Given the available evidence, this variant is classified as Likely Pathogenic.

Labcorp Genetics (formerly Invitae), Labcorp
Classification: Pathogenic for Tyrosinemia type I. Last evaluated: 2025-07-21. Review status: criteria provided, single submitter. Criteria: Invitae Variant Classification Sherloc (09022015). Collection method: clinical testing. Allele origin: germline.
Comment: This sequence change affects codon 232 of the FAH mRNA. It is a 'silent' change, meaning that it does not change the encoded amino acid sequence of the FAH protein. RNA analysis indicates that this variant induces altered splicing and may result in an absent or altered protein product. This variant is present in population databases (rs533540262, gnomAD 0.005%). This variant has been observed in individual(s) with tyrosinemia, type 1 (PMID: 8557261; internal data). In at least one individual the data is consistent with being in trans (on the opposite chromosome) from a pathogenic variant. ClinVar contains an entry for this variant (Variation ID: 551686). Studies have shown that this variant results in out-of-frame skipping of exon 8, and produces a non-functional protein and/or introduces a premature termination codon (PMID: 8557261). For these reasons, this variant has been classified as Pathogenic.

Fulgent Genetics
Classification: Likely pathogenic for Tyrosinemia type I. Last evaluated: 2024-06-17. Review status: criteria provided, single submitter. Criteria: ACMG Guidelines, 2015. Collection method: clinical testing. Allele origin: germline.

Mendelics
Classification: Pathogenic for Tyrosinemia type I. Last evaluated: 2022-05-04. Review status: criteria provided, single submitter. Criteria: Mendelics Assertion Criteria 2019. Collection method: clinical testing. Allele origin: germline.

Counsyl
Classification: Uncertain significance for Tyrosinemia type I. Last evaluated: 2017-05-01. Review status: no assertion criteria provided. Collection method: clinical testing. Allele origin: unknown. Not counted in ClinVar's aggregate classification.

Literature cited by the submitters: PubMed 8557261 (cited by 4 submitters); PubMed 38132825 (cited by Women's Health and Genetics/Laboratory Corporation of America, LabCorp and Natera, Inc.); PubMed 25525159 (cited by Counsyl).